The following is an entry in ClinVar:

NM_001042545.2(LTBP4):c.1790C>A (p.Pro597Gln)

Gene: LTBP4 (latent transforming growth factor beta binding protein 4; plus strand). Cytogenetic location: 19q13.2.
Variant type: single nucleotide variant.
Coding change: c.1790C>A on transcript NM_001042545.2 (MANE Select); coding-DNA position 1790, C replaced by A.
Protein change: p.Pro597Gln; replaces proline 597 with glutamine.
Molecular consequence: missense variant.
Genome position (GRCh38, 1-based): chr19:40,610,637, C>A. VCF-style: chr19-40610637-C-A. GRCh37 (hg19) VCF-style: chr19-41116543-C-A.
Other names: c.1991C>A, p.Pro664Gln (NM_001042544.1); c.1880C>A, p.Pro627Gln (NM_003573.2); short protein forms P597Q, P627Q, P664Q.
Identifiers: ClinVar variation 1307536 (VCV001307536.6), dbSNP rs769044873, ClinGen allele CA9448426.

ClinVar aggregate classification (germline): Uncertain significance. Review status: criteria provided, multiple submitters, no conflicts (2 of 4 stars). 3 submissions from 3 submitters: Uncertain significance (3). Last evaluated 2024-11-12.

Conditions:
LTBP4-related disorder. Also called: LTBP4-related condition.

Allele frequency attached by ClinVar (database versions not stated): ExAC 0.00005.
gnomAD v4.1: 12 of 1,582,852 alleles (0.00076%); highest among the groups gnomAD compares: African/African-American, 0.004%; no homozygotes.

Submissions (3):

PreventionGenetics, part of Exact Sciences
Classification: Uncertain significance for LTBP4-related condition. Last evaluated: 2024-11-12. Review status: criteria provided, single submitter. Criteria: ACMG Guidelines, 2015. Collection method: clinical testing. Allele origin: germline.
Comment: The LTBP4 c.1880C>A variant is predicted to result in the amino acid substitution p.Pro627Gln. To our knowledge, this variant has not been reported in the literature. This variant is reported in 0.0080% of alleles in individuals of African descent in gnomAD. At this time, the clinical significance of this variant is uncertain due to the absence of conclusive functional and genetic evidence.

Labcorp Genetics (formerly Invitae), Labcorp
Classification: Uncertain significance. Last evaluated: 2023-07-16. Review status: criteria provided, single submitter. Criteria: Invitae Variant Classification Sherloc (09022015). Collection method: clinical testing. Allele origin: germline.
Comment: The frequency data for this variant in the population databases is considered unreliable, as metrics indicate poor data quality at this position in the gnomAD database. This sequence change replaces proline, which is neutral and non-polar, with glutamine, which is neutral and polar, at codon 627 of the LTBP4 protein (p.Pro627Gln). In summary, the available evidence is currently insufficient to determine the role of this variant in disease. Therefore, it has been classified as a Variant of Uncertain Significance. Experimental studies and prediction algorithms are not available or were not evaluated, and the functional significance of this variant is currently unknown. ClinVar contains an entry for this variant (Variation ID: 1307536). This variant has not been reported in the literature in individuals affected with LTBP4-related conditions.

GeneDx
Classification: Uncertain significance. Last evaluated: 2019-03-08. Review status: criteria provided, single submitter. Criteria: GeneDx Variant Classification Process June 2021. Collection method: clinical testing. Allele origin: germline. Affected: yes.
Comment: Not observed at a significant frequency in large population cohorts (Lek et al., 2016); In silico analysis, which includes protein predictors and evolutionary conservation, supports that this variant does not alter protein structure/function; Has not been previously published as pathogenic or benign to our knowledge